The following is an entry in ClinVar:

NM_033305.3(VPS13A):c.4130C>T (p.Thr1377Ile)

Gene: VPS13A (vacuolar protein sorting 13 homolog A; plus strand). Cytogenetic location: 9q21.2.
Variant type: single nucleotide variant.
Coding change: c.4130C>T on transcript NM_033305.3 (MANE Select); coding-DNA position 4130, C replaced by T.
Protein change: p.Thr1377Ile; replaces threonine 1377 with isoleucine.
Molecular consequence: missense variant.
Genome position (GRCh38, 1-based): chr9:77,314,007, C>T. VCF-style: chr9-77314007-C-T. GRCh37 (hg19) VCF-style: chr9-79928923-C-T.
Other names: c.4013C>T, p.Thr1338Ile (NM_001018037.2); c.4130C>T, p.Thr1377Ile (NM_001018038.3, NM_015186.4); short protein forms T1377I, T1338I.
Identifiers: ClinVar variation 1963056 (VCV001963056.4), dbSNP rs1453197615, ClinGen allele CA373854168.

ClinVar aggregate classification (germline): Uncertain significance (1 of 4 stars; one submission).

Allele frequency attached by ClinVar (database versions not stated): TOPMed 0.00001; gnomAD 0.00001.
gnomAD v4.1: 2 of 1,612,924 alleles (0.00012%); highest among the groups gnomAD compares: Admixed American, 0.0017%; no homozygotes.

Submission:

Labcorp Genetics (formerly Invitae), Labcorp
Classification: Uncertain significance. Last evaluated: 2025-10-07. Review status: criteria provided, single submitter. Criteria: Invitae Variant Classification Sherloc (09022015). Collection method: clinical testing. Allele origin: germline.
Comment: This sequence change replaces threonine, which is neutral and polar, with isoleucine, which is neutral and non-polar, at codon 1377 of the VPS13A protein (p.Thr1377Ile). This variant is not present in population databases (gnomAD no frequency). This variant has not been reported in the literature in individuals affected with VPS13A-related conditions. ClinVar contains an entry for this variant (Variation ID: 1963056). An algorithm developed to predict the effect of missense changes on protein structure and function (PolyPhen-2) suggests that this variant is likely to be tolerated. In summary, the available evidence is currently insufficient to determine the role of this variant in disease. Therefore, it has been classified as a Variant of Uncertain Significance.